The following is an entry in ClinVar:

ClinVar aggregate classification (germline): Uncertain significance (1 of 4 stars; one submission).

Conditions:
Inborn genetic diseases. Identifiers: MedGen C0950123, MeSH D030342.

Submission:

Ambry Genetics
Classification: Uncertain significance for Inborn genetic diseases. Last evaluated: 2013-06-18. Review status: criteria provided, single submitter. Criteria: Ambry Autosomal Dominant and X-Linked criteria (10/2015). Collection method: clinical testing. Allele origin: germline. Observed: 1 variant allele.
Comment: There is insufficient or conflicting evidence for classification of this alteration.

NM_004577.4(PSPH):c.397A>C (p.Asn133His)

Gene: PSPH (phosphoserine phosphatase; minus strand). Cytogenetic location: 7p11.2.
Variant type: single nucleotide variant.
Coding change: c.397A>C on transcript NM_004577.4 (MANE Select); coding-DNA position 397, A replaced by C.
Protein change: p.Asn133His; replaces asparagine 133 with histidine.
Molecular consequence: missense variant.
Genome position (GRCh38, 1-based): chr7:56,017,258, T>G on the plus strand (A>C on the coding strand, the complement: PSPH is on the minus strand). VCF-style: chr7-56017258-T-G. GRCh37 (hg19) VCF-style: chr7-56084951-T-G.
Other names: c.397A>C, p.Asn133His (NM_001370503.1, NM_001370504.1, NM_001370505.1 and 17 more transcripts); short protein forms N133H.
Identifiers: ClinVar variation 225051 (VCV000225051.4), dbSNP rs869312942, ClinGen allele CA358010.
Genomic context (GRCh38, chr7:56,017,258, plus strand): 5'-GCTAAGAAAGGGAACATGTTACTGTTAACATCTTACCGTTAAAGTAGAATTTCAGCCTAT[T>G]GGCAAATACATTGGTTGCTGGGATATTGAGCTTTGAAGCAACATGCTCTACAATACTCCT-3'
Protein context (NP_004568.2, residues 123-143): LNIPATNVFA[Asn133His]RLKFYFNGEY